The following is an entry in ClinVar:

NM_003839.4(TNFRSF11A):c.1300T>C (p.Trp434Arg)

Gene: TNFRSF11A (TNF receptor superfamily member 11a; plus strand). Cytogenetic location: 18q21.33.
Variant type: single nucleotide variant.
Coding change: c.1300T>C on transcript NM_003839.4 (MANE Select); coding-DNA position 1300, T replaced by C.
Protein change: p.Trp434Arg; replaces tryptophan 434 with arginine.
Molecular consequence: missense variant. On other transcripts: intron variant (3).
Genome position (GRCh38, 1-based): chr18:62,369,217, T>C. VCF-style: chr18-62369217-T-C. GRCh37 (hg19) VCF-style: chr18-60036450-T-C.
Other names: c.1258T>C, p.Trp420Arg (NM_001278268.2); c.783+2457T>C (NM_001270949.2); c.730+7424T>C (NM_001270950.2); c.616+9168T>C (NM_001270951.2); short protein forms W420R, W434R.
Identifiers: ClinVar variation 3686459 (VCV003686459.2).
Genomic context (GRCh38, chr18:62,369,217, plus strand): 5'-ACTCCCATGTCCTCTGAAAACTACTTGCAAAAAGAGGTGGACAGTGGCCATTGCCCGCAC[T>C]GGGCAGCCAGCCCCAGCCCCAACTGGGCAGATGTCTGCACAGGCTGCCGGAACCCTCCTG-3'
Protein context (NP_003830.1, residues 424-444): KEVDSGHCPH[Trp434Arg]AASPSPNWAD

ClinVar aggregate classification (germline): Uncertain significance (1 of 4 stars; one submission).

gnomAD v4.1: 2 of 1,613,860 alleles (0.00012%); highest among the groups gnomAD compares: Non-Finnish European, 0.00017%; no homozygotes.

Submission:

Labcorp Genetics (formerly Invitae), Labcorp
Classification: Uncertain significance. Last evaluated: 2025-01-12. Review status: criteria provided, single submitter. Criteria: Invitae Variant Classification Sherloc (09022015). Collection method: clinical testing. Allele origin: germline.
Comment: This sequence change replaces tryptophan, which is neutral and slightly polar, with arginine, which is basic and polar, at codon 434 of the TNFRSF11A protein (p.Trp434Arg). This variant is not present in population databases (gnomAD no frequency). This variant has not been reported in the literature in individuals affected with TNFRSF11A-related conditions. An algorithm developed to predict the effect of missense changes on protein structure and function (PolyPhen-2) suggests that this variant is likely to be disruptive. In summary, the available evidence is currently insufficient to determine the role of this variant in disease. Therefore, it has been classified as a Variant of Uncertain Significance.